The following is an entry in ClinVar:

ClinVar aggregate classification (germline): Pathogenic/Likely pathogenic. Review status: criteria provided, multiple submitters, no conflicts (2 of 4 stars). 3 submissions from 3 submitters: Pathogenic (1); Likely pathogenic (2). Last evaluated 2025-02-05.

Conditions:
Severe early-childhood-onset retinal dystrophy (STGD1). Also called: Stargardt macular dystrophy; Juvenile onset macular degeneration; Stargardt disease 1; STGD; MACULAR DYSTROPHY WITH FLECKS, TYPE 1. Identifiers: Orphanet 364055, Orphanet 827, MedGen C1855465, MeSH D000080362, MONDO:0009549, OMIM 248200.
Cone-rod dystrophy 3 (CORD3). Identifiers: Orphanet 1872, MedGen C1858806, MONDO:0011395, OMIM 604116.
Retinitis pigmentosa 19 (RP19). Also called: ABCA4-Related Retinitis Pigmentosa. Identifiers: Orphanet 791, MedGen C1866422, MONDO:0011137, OMIM 601718.
Age related macular degeneration 2. Also called: MACULOPATHY, AGE-RELATED; MACULAR DEGENERATION, SENILE; MACULOPATHY, AGE-RELATED, 2. Identifiers: MedGen C3495438, MONDO:0007932, OMIM 153800.

Allele frequency attached by ClinVar (database versions not stated): TOPMed below 0.00001.

Submissions (3):

SingHealth Duke-NUS Institute of Precision Medicine
Classification: Likely pathogenic for Severe early-childhood-onset retinal dystrophy. Last evaluated: 2025-02-05. Review status: criteria provided, single submitter. Criteria: PRISM ACMG Classification Criteria. Collection method: clinical testing. Allele origin: germline. Affected: yes.
Comment: Intronic splice variant predicted to cause nonsense-mediated decay in a gene where LOF is a known cause of pathogenicity (PVS1). Variant is not found in gnomAD exomes and genomes (PM2)

Labcorp Genetics (formerly Invitae), Labcorp
Classification: Pathogenic. Last evaluated: 2024-11-18. Review status: criteria provided, single submitter. Criteria: Invitae Variant Classification Sherloc (09022015). Collection method: clinical testing. Allele origin: germline.
Comment: This sequence change affects a donor splice site in intron 47 of the ABCA4 gene. It is expected to disrupt RNA splicing. Variants that disrupt the donor or acceptor splice site typically lead to a loss of protein function (PMID: 16199547), and loss-of-function variants in ABCA4 are known to be pathogenic (PMID: 10958761, 24938718, 25312043, 26780318). This variant is not present in population databases (gnomAD no frequency). Disruption of this splice site has been observed in individual(s) with ABCA4-related conditions (PMID: 21911583, 27739528). In at least one individual the data is consistent with being in trans (on the opposite chromosome) from a pathogenic variant. ClinVar contains an entry for this variant (Variation ID: 2733910). Algorithms developed to predict the effect of sequence changes on RNA splicing suggest that this variant may disrupt the consensus splice site. For these reasons, this variant has been classified as Pathogenic.

Juno Genomics, Hangzhou Juno Genomics, Inc
Classification: Likely pathogenic for Age related macular degeneration 2; Cone-rod dystrophy 3; Severe early-childhood-onset retinal dystrophy; Retinitis pigmentosa 19. Review status: criteria provided, single submitter. Criteria: ACMG Guidelines, 2015. Collection method: clinical testing. Allele origin: germline.
Comment: Absent from controls (or at extremely low frequency if recessive) in Genome Aggregation Database.;Null variant in a gene where loss of function (LOF) is a known mechanism of disease.;For recessive disorders, detected in trans with a pathogenic variant.;Patient's phenotype or family history is highly specific for a disease with a single genetic etiology.

Literature cited by the submitters: PubMed 16199547 (cited by Labcorp Genetics (formerly Invitae), Labcorp); PubMed 10958761 (cited by Labcorp Genetics (formerly Invitae), Labcorp); PubMed 24938718 (cited by Labcorp Genetics (formerly Invitae), Labcorp); PubMed 25312043 (cited by Labcorp Genetics (formerly Invitae), Labcorp); PubMed 26780318 (cited by Labcorp Genetics (formerly Invitae), Labcorp); PubMed 21911583 (cited by Labcorp Genetics (formerly Invitae), Labcorp); PubMed 27739528 (cited by Labcorp Genetics (formerly Invitae), Labcorp).

NM_000350.3(ABCA4):c.6479+1G>C

Gene: ABCA4 (ATP binding cassette subfamily A member 4; minus strand). Cytogenetic location: 1p22.1.
Variant type: single nucleotide variant.
Coding change: c.6479+1G>C on transcript NM_000350.3 (MANE Select); the canonical splice donor site of the intron after coding-DNA position 6479, G replaced by C.
Molecular consequence: splice donor variant.
Genome position (GRCh38, 1-based): chr1:94,000,835, C>G on the plus strand (G>C on the coding strand, the complement: ABCA4 is on the minus strand). VCF-style: chr1-94000835-C-G. GRCh37 (hg19) VCF-style: chr1-94466391-C-G.
Identifiers: ClinVar variation 2733910 (VCV002733910.6), dbSNP rs1436211151, ClinGen allele CA341277214.
Genomic context (GRCh38, chr1:94,000,835, plus strand): 5'-AACACAGGATCCAGGTGGATCCACAGAAGGCAACAAGGGGCACGCCCCACCATCTGCTTA[C>G]TTGGACTTGAGATGCTGAATGGTGCCCATACATCGAAAGGCGCCCTTTACCATGATGGCC-3'